The following is an entry in ClinVar:

ClinVar aggregate classification (germline): Pathogenic (1 of 4 stars; one submission).

Conditions:
Bartter syndrome. Identifiers: Orphanet 112, MedGen C0004775, MONDO:0015231.

Submission:

Women's Health and Genetics/Laboratory Corporation of America, LabCorp
Classification: Pathogenic for Bartter syndrome. Last evaluated: 2024-05-21. Review status: criteria provided, single submitter. Criteria: LabCorp Variant Classification Summary - May 2015. Collection method: clinical testing. Allele origin: germline.
Comment: Variant summary: The variant involves the deletion of exons 1-11 in the CLCNKB gene. A presumed nomenclature of c.(?_-107)_(1053+1_1054-1)del has been designated for the purposes of this classification. The exact breakpoint at the 5' end of this variant is unknown, therefore this deletion may extend upstream of the annotated region of this gene. Although the exact breakpoints of this deletion are not known, it is predicted to remove the initiation codon and result in an absence of protein or a truncation of the encoded protein due to translation initiation at a downstream site. The variant was absent in 119626 control chromosomes in the gnomAD database (Structural Variants v4.0 dataset). The variant, c.(?_-107)_(1053+1_1054-1)del has been reported in individual(s) affected with Bartter Syndrome, Type 3 (e.g. Seys_2017). To our knowledge, no experimental evidence demonstrating an impact on protein function has been reported. The following publication have been ascertained in the context of this evaluation (PMID: 28381550). No submitters have cited clinical-significance assessments for this variant to ClinVar. Based on the evidence outlined above, the variant was classified as pathogenic.

Literature cited by the submitters: PubMed 28381550.

NC_000001.10:g.(?_16370276)_(16377096_16377369)del

Gene: CLCNKB (chloride voltage-gated channel Kb; plus strand). Cytogenetic location: 1p36.13.
Variant type: Deletion.
Identifiers: ClinVar variation 3336458 (VCV003336458.1).